The following is an entry in ClinVar:

NM_024675.4(PALB2):c.3050dup (p.Ala1017_Glu1018insTer)

Gene: PALB2 (partner and localizer of BRCA2; minus strand). Cytogenetic location: 16p12.2.
Variant type: Duplication.
Coding change: c.3050dup on transcript NM_024675.4 (MANE Select); coding-DNA position 3050, one base duplicated (C; older notation c.3050dupC).
Protein change: p.Ala1017_Glu1018insTer.
Molecular consequence: frameshift variant. On other transcripts: nonsense (17).
Genome position (GRCh38, 1-based): chr16:23,621,425, G duplicated on the plus strand (C on the coding strand, the reverse complement: PALB2 is on the minus strand). VCF-style (leftmost placement, unchanged base first): chr16-23621424-A-AG. GRCh37 (hg19) VCF-style: chr16-23632745-A-AG.
Other names: c.2990dup, p.Glu998Terfs (NM_001407296.1); c.2978dup, p.Glu994Terfs (NM_001407297.1); c.2888dup, p.Glu964Terfs (NM_001407298.1, NM_001407302.1); c.3050dup, p.Glu1018Terfs (NM_001407299.1, NM_001407301.1); c.2165dup, p.Glu723Terfs (NM_001407304.1, NM_001407305.1, NM_001407306.1 and 4 more transcripts); c.2003dup, p.Glu669Terfs (NM_001407307.1); c.1262dup, p.Glu422Terfs (NM_001407312.1, NM_001407313.1); c.584dup, p.Glu196Terfs (NM_001407314.1).
Identifiers: ClinVar variation 1962246 (VCV001962246.5), dbSNP rs2506319191, ClinGen allele CA2580091277.

ClinVar aggregate classification (germline): Pathogenic (1 of 4 stars; one submission).

Conditions:
Familial cancer of breast. Also called: hereditary breast carcinoma; BREAST CANCER, FAMILIAL; Hereditary breast cancer. Identifiers: Orphanet 227535, MedGen C0346153, MONDO:0016419, OMIM 114480. Disease mechanism: loss of function.

Submission:

Labcorp Genetics (formerly Invitae), Labcorp
Classification: Pathogenic for Familial cancer of breast. Last evaluated: 2022-03-12. Review status: criteria provided, single submitter. Criteria: Invitae Variant Classification Sherloc (09022015). Collection method: clinical testing. Allele origin: germline.
Comment: For these reasons, this variant has been classified as Pathogenic. This variant has not been reported in the literature in individuals affected with PALB2-related conditions. This variant is not present in population databases (gnomAD no frequency). This sequence change creates a premature translational stop signal (p.Glu1018*) in the PALB2 gene. It is expected to result in an absent or disrupted protein product. Loss-of-function variants in PALB2 are known to be pathogenic (PMID: 17200668, 17200671, 17200672, 24136930, 25099575).

Literature cited by the submitters: PubMed 17200668; PubMed 17200671; PubMed 17200672; PubMed 24136930; PubMed 25099575.